The following is an entry in ClinVar:

NM_003040.4(SLC4A2):c.162C>T (p.Ala54=)

Gene: SLC4A2 (solute carrier family 4 member 2; plus strand). Cytogenetic location: 7q36.1.
Variant type: single nucleotide variant.
Coding change: c.162C>T on transcript NM_003040.4 (MANE Select); coding-DNA position 162, C replaced by T.
Protein change: p.Ala54=; no amino-acid change (alanine 54 retained).
Molecular consequence: synonymous variant.
Genome position (GRCh38, 1-based): chr7:151,064,312, C>T. VCF-style: chr7-151064312-C-T. GRCh37 (hg19) VCF-style: chr7-150761399-C-T.
Other names: c.162C>T, p.Ala54= (NM_001199692.3); c.135C>T, p.Ala45= (NM_001199693.1); c.120C>T, p.Ala40= (NM_001199694.2).
Identifiers: ClinVar variation 2658175 (VCV002658175.24), dbSNP rs371330147, ClinGen allele CA4570741.

ClinVar aggregate classification (germline): Likely benign (1 of 4 stars; one submission).

Allele frequency attached by ClinVar (database versions not stated): TOPMed 0.00004; ExAC 0.00006; gnomAD 0.00006; ESP Exome Variant Server 0.00008; 1000 Genomes Project 30x 0.00031; 1000 Genomes Project 0.00040.
gnomAD v4.1: 97 of 1,415,460 alleles (0.0069%); highest among the groups gnomAD compares: South Asian, 0.053%; 1 homozygote.

Submission:

CeGaT Center for Human Genetics Tuebingen
Classification: Likely benign. Last evaluated: 2022-11-01. Review status: criteria provided, single submitter. Criteria: CeGaT Center For Human Genetics Tuebingen Variant Classification Criteria Version 2. Collection method: clinical testing. Allele origin: germline. Affected: yes. Observed: 1 variant allele.
Comment: SLC4A2: BP4, BP7